The following is an entry in ClinVar:

NM_001282225.2(ADA2):c.1058_1061del (p.Tyr353fs)

Gene: ADA2 (adenosine deaminase 2; minus strand). Cytogenetic location: 22q11.1.
Variant type: Deletion.
Coding change: c.1058_1061del on transcript NM_001282225.2 (MANE Select); coding-DNA positions 1058 to 1061, 4 bases deleted (ACTT; older notation c.1058_1061delACTT).
Protein change: p.Tyr353fs; shifts the reading frame from tyrosine 353.
Molecular consequence: frameshift variant.
Genome position (GRCh38, 1-based): chr22:17,188,359-17,188,362, AAGT deleted on the plus strand (ACTT on the coding strand, the reverse complement: ADA2 is on the minus strand); deleting any 4 consecutive bases within chr22:17,188,359-17,188,365 gives the same sequence; the c. name uses the placement nearest the transcript's 3' end. VCF-style (leftmost placement, unchanged base first): chr22-17188358-GAAGT-G. GRCh37 (hg19) VCF-style: chr22-17669248-GAAGT-G.
Other names: c.1058_1061del, p.Tyr353fs (NM_001282226.2); c.932_935del, p.Tyr311fs (NM_001282227.2, NM_001282228.2); c.698_701del, p.Tyr233fs (NM_001282229.2); c.335_338del, p.Tyr112fs (NM_177405.3); short protein forms Y112fs, Y353fs, Y233fs, Y311fs.
Identifiers: ClinVar variation 1954694 (VCV001954694.13), dbSNP rs2517294181, ClinGen allele CA2580099071.

ClinVar aggregate classification (germline): Pathogenic/Likely pathogenic. Review status: criteria provided, multiple submitters, no conflicts (2 of 4 stars). 3 submissions from 3 submitters: Pathogenic (2); Likely pathogenic (1). Last evaluated 2025-05-01.

Conditions:
Deficiency of adenosine deaminase 2. Also called: Adenosine Deaminase 2 Deficiency; VASCULITIS, AUTOINFLAMMATION, IMMUNODEFICIENCY, AND HEMATOLOGIC DEFECTS SYNDROME; Polyarteritis nodosa, childhoood-onset. Identifiers: Orphanet 404553, MedGen C3887654, MONDO:0014306, OMIM 615688, MONDO:0100317.
ADA2-related disorder. Also called: ADA2-related condition.

Submissions (3):

CeGaT Center for Human Genetics Tuebingen
Classification: Pathogenic. Last evaluated: 2025-05-01. Review status: criteria provided, single submitter. Criteria: CeGaT Center For Human Genetics Tuebingen Variant Classification Criteria Version 2. Collection method: clinical testing. Allele origin: germline. Affected: yes. Observed: 1 variant allele.
Comment: ADA2: PVS1, PM2, PM3:Supporting

Blueprint Genetics
Classification: Likely pathogenic for ADA2-related disorders. Last evaluated: 2023-09-28. Review status: criteria provided, single submitter. Criteria: ACMG Guidelines, 2015. Collection method: clinical testing. Allele origin: germline. Affected: yes. Observed: 2 variant alleles.

Labcorp Genetics (formerly Invitae), Labcorp
Classification: Pathogenic for Deficiency of adenosine deaminase 2. Last evaluated: 2021-06-12. Review status: criteria provided, single submitter. Criteria: Invitae Variant Classification Sherloc (09022015). Collection method: clinical testing. Allele origin: germline.
Comment: This sequence change creates a premature translational stop signal (p.Tyr353Serfs*14) in the ADA2 gene. It is expected to result in an absent or disrupted protein product. Loss-of-function variants in ADA2 are known to be pathogenic (PMID: 24552284, 24552285). This variant is not present in population databases (ExAC no frequency). This variant has not been reported in the literature in individuals with ADA2-related conditions. For these reasons, this variant has been classified as Pathogenic.

Literature cited by the submitters: PubMed 24552284 (cited by Labcorp Genetics (formerly Invitae), Labcorp); PubMed 24552285 (cited by Labcorp Genetics (formerly Invitae), Labcorp).